The following is an entry in ClinVar:

ClinVar aggregate classification (germline): Uncertain significance (1 of 4 stars; one submission).

gnomAD v4.1: 5 of 1,550,214 alleles (0.00032%); highest among the groups gnomAD compares: East Asian, 0.0024%; no homozygotes.

Submission:

Labcorp Genetics (formerly Invitae), Labcorp
Classification: Uncertain significance. Last evaluated: 2025-04-28. Review status: criteria provided, single submitter. Criteria: Invitae Variant Classification Sherloc (09022015). Collection method: clinical testing. Allele origin: germline.
Comment: This sequence change replaces alanine, which is neutral and non-polar, with threonine, which is neutral and polar, at codon 2753 of the OTOG protein (p.Ala2753Thr). This variant is not present in population databases (gnomAD no frequency). This variant has not been reported in the literature in individuals affected with OTOG-related conditions. ClinVar contains an entry for this variant (Variation ID: 1926656). An algorithm developed to predict the effect of missense changes on protein structure and function (PolyPhen-2) suggests that this variant is likely to be tolerated. In summary, the available evidence is currently insufficient to determine the role of this variant in disease. Therefore, it has been classified as a Variant of Uncertain Significance.

NM_001292063.2(OTOG):c.8221G>A (p.Ala2741Thr)

Gene: OTOG (otogelin; plus strand). Cytogenetic location: 11p15.1.
Variant type: single nucleotide variant.
Coding change: c.8221G>A on transcript NM_001292063.2 (MANE Select); coding-DNA position 8221, G replaced by A.
Protein change: p.Ala2741Thr; replaces alanine 2741 with threonine.
Molecular consequence: missense variant.
Genome position (GRCh38, 1-based): chr11:17,641,877, G>A. VCF-style: chr11-17641877-G-A. GRCh37 (hg19) VCF-style: chr11-17663424-G-A.
Other names: c.8257G>A, p.Ala2753Thr (NM_001277269.2); short protein forms A2741T, A2753T.
Identifiers: ClinVar variation 1926656 (VCV001926656.5), dbSNP rs1437609507, ClinGen allele CA379785430.